The following is an entry in ClinVar:

NM_015267.4(CUX2):c.651G>A (p.Thr217=)

Gene: CUX2 (cut like homeobox 2; plus strand). Cytogenetic location: 12q24.11.
Variant type: single nucleotide variant.
Coding change: c.651G>A on transcript NM_015267.4 (MANE Select); coding-DNA position 651, G replaced by A.
Protein change: p.Thr217=; no amino-acid change (threonine 217 retained).
Molecular consequence: synonymous variant.
Genome position (GRCh38, 1-based): chr12:111,296,486, G>A. VCF-style: chr12-111296486-G-A. GRCh37 (hg19) VCF-style: chr12-111734290-G-A.
Other names: c.465G>A, p.Thr155= (NM_001370598.1).
Identifiers: ClinVar variation 3038198 (VCV003038198.7), dbSNP rs116003760, ClinGen allele CA6788434.

ClinVar aggregate classification (germline): Likely benign. Review status: criteria provided, multiple submitters, no conflicts (2 of 4 stars). 3 submissions from 3 submitters: Likely benign (2). 1 of the submissions does not count toward it. Last evaluated 2026-06-01.

Conditions:
CUX2-related disorder. Also called: CUX2-related condition.

Allele frequency attached by ClinVar (database versions not stated): 1000 Genomes Project 30x 0.00187; 1000 Genomes Project 0.00200; ESP Exome Variant Server 0.00119; gnomAD 0.00153.
gnomAD v4.1: 458 of 1,609,718 alleles (0.028%); highest among the groups gnomAD compares: African/African-American, 0.55%; 3 homozygotes.

Submissions (3):

CeGaT Center for Human Genetics Tuebingen
Classification: Likely benign. Last evaluated: 2026-06-01. Review status: criteria provided, single submitter. Criteria: CeGaT Center For Human Genetics Tuebingen Variant Classification Criteria Version 2. Collection method: clinical testing. Allele origin: germline. Affected: yes. Observed: 3 variant alleles.
Comment: CUX2: BP4, BP7, BS1

Blueprint Genetics
Classification: Likely benign. Last evaluated: 2024-08-06. Review status: criteria provided, single submitter. Criteria: ACMG Guidelines, 2015. Collection method: clinical testing. Allele origin: germline.

PreventionGenetics, part of Exact Sciences
Classification: Benign for CUX2-related condition. Last evaluated: 2024-02-08. Review status: no assertion criteria provided. Collection method: clinical testing. Allele origin: germline. Not counted in ClinVar's aggregate classification.
Comment: This variant is classified as benign based on ACMG/AMP sequence variant interpretation guidelines (Richards et al. 2015 PMID: 25741868, with internal and published modifications).